The following is an entry in ClinVar:

ClinVar aggregate classification (germline): Uncertain significance (1 of 4 stars; one submission).

Submission:

CeGaT Center for Human Genetics Tuebingen
Classification: Uncertain significance. Last evaluated: 2024-12-01. Review status: criteria provided, single submitter. Criteria: CeGaT Center For Human Genetics Tuebingen Variant Classification Criteria Version 2. Collection method: clinical testing. Allele origin: germline. Affected: yes. Observed: 1 variant allele.
Comment: TRPC3: PM2

NM_001130698.2(TRPC3):c.1331C>T (p.Pro444Leu)

Gene: TRPC3 (transient receptor potential cation channel subfamily C member 3; minus strand). Cytogenetic location: 4q27.
Variant type: single nucleotide variant.
Coding change: c.1331C>T on transcript NM_001130698.2 (MANE Select); coding-DNA position 1331, C replaced by T.
Protein change: p.Pro444Leu; replaces proline 444 with leucine.
Molecular consequence: missense variant.
Genome position (GRCh38, 1-based): chr4:121,914,790, G>A on the plus strand (C>T on the coding strand, the complement: TRPC3 is on the minus strand). VCF-style: chr4-121914790-G-A. GRCh37 (hg19) VCF-style: chr4-122835945-G-A.
Other names: c.1331C>T, p.Pro444Leu (NM_001366479.2); c.1112C>T, p.Pro371Leu (NM_003305.2); short protein forms P371L, P444L.
Identifiers: ClinVar variation 3772026 (VCV003772026.13).